The following is an entry in ClinVar:

NM_001267550.2(TTN):c.57363del (p.Pro19122fs)

Genes: TTN (titin; minus strand), TTN-AS1 (TTN antisense RNA 1; plus strand). Cytogenetic location: 2q31.2.
Variant type: Deletion.
Coding change: c.57363del on transcript NM_001267550.2 (MANE Select); coding-DNA position 57363, one base deleted (T; older notation c.57363delT).
Protein change: p.Pro19122fs; shifts the reading frame from proline 19122.
Molecular consequence: frameshift variant.
Genome position (GRCh38, 1-based): chr2:178,597,719, A deleted on the plus strand (T on the coding strand, the reverse complement: TTN is on the minus strand). VCF-style (leftmost placement, unchanged base first): chr2-178597718-GA-G. GRCh37 (hg19) VCF-style: chr2-179462445-GA-G.
Other names: c.52440del, p.Pro17481fs (NM_001256850.1); c.30168del, p.Pro10057fs (NM_003319.4); c.49659del, p.Pro16554fs (NM_133378.4); c.30543del, p.Pro10182fs (NM_133432.3); c.30744del, p.Pro10249fs (NM_133437.4); short protein forms P10057fs, P10182fs, P10249fs, P16554fs, P17481fs, P19122fs.
Identifiers: ClinVar variation 1067552 (VCV001067552.9), dbSNP rs2154189911, ClinGen allele CA2499215408.
Genomic context (GRCh38, chr2:178,597,718, plus strand): 5'-TGGTCTCAATGGTGGCTTCTTGAGGTAAGGTTCTTTCATTCATGTTCCAGGTGACGGTTG[GA>G]GGAGGCTTTCCAGACACATAGGCAATGATTCGGATCACCCCTCCAGCATGGACAACAATT-3'

ClinVar aggregate classification (germline): Likely pathogenic (1 of 4 stars; one submission).

Conditions:
Dilated cardiomyopathy 1G (CMD1G). Identifiers: Orphanet 154, MedGen C1858763, MONDO:0011400, OMIM 604145.
Autosomal recessive limb-girdle muscular dystrophy type 2J (LGMDR10). Also called: Limb-girdle muscular dystrophy, type 2J; MUSCULAR DYSTROPHY, LIMB-GIRDLE, AUTOSOMAL RECESSIVE 10. Identifiers: Orphanet 140922, MedGen C1837342, MONDO:0012127, OMIM 608807.

Submission:

Labcorp Genetics (formerly Invitae), Labcorp
Classification: Likely pathogenic for Dilated cardiomyopathy 1G; Autosomal recessive limb-girdle muscular dystrophy type 2J. Last evaluated: 2021-12-22. Review status: criteria provided, single submitter. Criteria: Invitae Variant Classification Sherloc (09022015). Collection method: clinical testing. Allele origin: germline.
Comment: This sequence change creates a premature translational stop signal (p.Pro19122Glnfs*7) in the TTN gene. While this is not anticipated to result in nonsense mediated decay, it is expected to create a truncated TTN protein. This variant is not present in population databases (gnomAD no frequency). This variant has not been reported in the literature in individuals affected with TTN-related conditions. ClinVar contains an entry for this variant (Variation ID: 1067552). This variant is located in the A band of TTN (PMID: 25589632). Truncating variants in this region are significantly overrepresented in patients affected with dilated cardiomyopathy (PMID: 25589632). Truncating variants in this region have also been reported in individuals affected with autosomal recessive centronuclear myopathy (PMID: 23975875). In summary, the currently available evidence indicates that the variant is pathogenic, but additional data are needed to prove that conclusively. Therefore, this variant has been classified as Likely Pathogenic.

Literature cited by the submitters: PubMed 25589632; PubMed 23975875.